The following is an entry in ClinVar:

ClinVar aggregate classification (germline): Likely benign. Review status: reviewed by expert panel (3 of 4 stars). 10 submissions from 10 submitters: Likely benign (1). 9 of the submissions do not count toward it. Last evaluated 2023-11-14.

Conditions:
T-B+ severe combined immunodeficiency due to JAK3 deficiency. Also called: SCID, T CELL-NEGATIVE, B CELL-POSITIVE, NK CELL-NEGATIVE; SCID, autosomal recessive, T-negative/B-positive type. Identifiers: Orphanet 35078, MedGen C1833275, MONDO:0010938, OMIM 600802.
JAK3-related disorder. Also called: JAK3-related condition.

Allele frequency attached by ClinVar (database versions not stated): 1000 Genomes Project 30x 0.00047; 1000 Genomes Project 0.00060; ESP Exome Variant Server 0.00062; TOPMed 0.00085.
gnomAD v4.1: 1,020 of 1,610,550 alleles (0.063%); highest among the groups gnomAD compares: Admixed American, 0.33%; 2 homozygotes.

Submissions (10):

ClinGen Severe Combined Immunodeficiency Variant Curation Expert Panel, ClinGen
Classification: Likely benign for T-B+ severe combined immunodeficiency due to JAK3 deficiency. Last evaluated: 2023-11-14. Review status: reviewed by expert panel. Criteria: ClinGen SCID ACMG Specifications JAK3 V1.0.0. Collection method: curation. Allele origin: germline. Inheritance: Autosomal recessive inheritance.
Comment: The NM_000215.4(JAK3):c.2773C>A (p.Arg925Ser) missense variant has a popmax filtering allele frequency in gnomAD v2.1.1 is 0.002278 (based on 94/34558 alleles in the Latino/Admixed American population), which is above the ClinGen SCID VCEP threshold of >0.00100 (BS1). To our knowledge, the variant has not been reported in a SCID patient in the literature. In summary, this variant meets the criteria to be classified as Likely Benign for autosomal recessive T-B+ SCID based on the ACMG/AMP criteria applied, as specified by the ClinGen SCID VCEP. Criteria applied: BS1 (VCEP specifications version 1).

Women's Health and Genetics/Laboratory Corporation of America, LabCorp
Classification: Likely benign. Last evaluated: 2026-02-11. Review status: criteria provided, single submitter. Criteria: LabCorp Variant Classification Summary - May 2015. Collection method: clinical testing. Allele origin: germline. Not counted in ClinVar's aggregate classification.
Comment: Variant summary: JAK3 c.2773C>A (p.Arg925Ser) results in a non-conservative amino acid change located in the protein kinase domain (IPR000719) of the encoded protein sequence. Algorithms developed to predict the effect of missense changes on protein structure and function are either unavailable or do not agree on the potential impact of this missense change. The variant allele was found at a frequency of 0.001 in 237354 control chromosomes, predominantly at a frequency of 0.0027 within the Latino subpopulation in the gnomAD database. The observed variant frequency within Latino control individuals in the gnomAD database exceeds the estimated maximal expected allele frequency for disease-causing variants in JAK3. To our knowledge, no occurrence of c.2773C>A in individuals affected with JAK3-related conditions and no experimental evidence demonstrating its impact on protein function have been reported. ClinVar contains an entry for this variant (Variation ID: 418267). Based on the evidence outlined above, the variant was classified as likely benign.

Labcorp Genetics (formerly Invitae), Labcorp
Classification: Likely benign for T-B+ severe combined immunodeficiency due to JAK3 deficiency. Last evaluated: 2026-01-28. Review status: criteria provided, single submitter. Criteria: Invitae Variant Classification Sherloc (09022015). Collection method: clinical testing. Allele origin: germline. Not counted in ClinVar's aggregate classification.

Blueprint Genetics
Classification: Likely benign. Last evaluated: 2024-11-28. Review status: criteria provided, single submitter. Criteria: ACMG Guidelines, 2015. Collection method: clinical testing. Allele origin: germline. Not counted in ClinVar's aggregate classification.

Laboratorio de Genetica e Diagnostico Molecular, Hospital Israelita Albert Einstein
Classification: Likely benign for T-B+ severe combined immunodeficiency due to JAK3 deficiency. Last evaluated: 2024-01-30. Review status: criteria provided, single submitter. Criteria: ACMG Guidelines, 2015. Collection method: clinical testing. Allele origin: germline. Affected: yes. Observed: 1 variant allele. Not counted in ClinVar's aggregate classification.

Department of Pathology and Laboratory Medicine, Sinai Health System
Classification: Uncertain significance for T-B+ severe combined immunodeficiency due to JAK3 deficiency. Last evaluated: 2022-12-05. Review status: criteria provided, single submitter. Criteria: ACMG Guidelines, 2015. Collection method: research. Allele origin: germline. Not counted in ClinVar's aggregate classification.

Mendelics
Classification: Likely benign for T-B+ severe combined immunodeficiency due to JAK3 deficiency. Last evaluated: 2019-05-28. Review status: criteria provided, single submitter. Criteria: Mendelics Assertion Criteria 2017. Collection method: clinical testing. Allele origin: unknown. Not counted in ClinVar's aggregate classification.

Illumina Laboratory Services, Illumina
Classification: Uncertain significance for T-B+ severe combined immunodeficiency due to JAK3 deficiency. Last evaluated: 2017-04-27. Review status: criteria provided, single submitter. Criteria: ICSL Variant Classification Criteria 13 December 2019. Collection method: clinical testing. Allele origin: germline. Not counted in ClinVar's aggregate classification.
Comment: This variant was observed as part of a predisposition screen in an ostensibly healthy population. A literature search was performed for the gene, cDNA change, and amino acid change (where applicable). Publications were found based on this search. However, the evidence from the literature, in combination with allele frequency data from public databases where available, was not sufficient to rule this variant in or out of causing disease. Therefore, this variant is classified as a variant of unknown significance.

GeneDx
Classification: Likely pathogenic. Last evaluated: 2015-11-10. Review status: criteria provided, single submitter. Criteria: GeneDx Variant Classification (06012015). Collection method: clinical testing. Allele origin: germline. Affected: yes. Not counted in ClinVar's aggregate classification.
Comment: The R925S variant in the JAK3 gene has not been published as a pathogenic variant, nor has it been reported as a benign variant to our knowledge. The NHLBI Exome Sequencing Project and the 1000 Genomes Project Consortium report R925S was observed in approximately 0.1-0.2% of alleles from individuals of European background, indicating it may be a rare variant in this population. The variant is a semi-conservative amino acid substitution, which may impact secondary protein structure as these residues differ in some properties, and this substitution occurs at a position where amino acids with similar properties to Arginine are tolerated across species. However, functional studies have shown that R925S impairs both interaction with STAT5 and JAK3 and STAT5 phosphorylation (de Martino et al., 2013). Therefore, this variant is likely pathogenic; however, the possibility that it is benign cannot be excluded.

PreventionGenetics, part of Exact Sciences
Classification: Likely benign for JAK3-related condition. Last evaluated: 2023-11-03. Review status: no assertion criteria provided. Collection method: clinical testing. Allele origin: germline. Not counted in ClinVar's aggregate classification.
Comment: This variant is classified as likely benign based on ACMG/AMP sequence variant interpretation guidelines (Richards et al. 2015 PMID: 25741868, with internal and published modifications).

Literature cited by the submitters: PubMed 25193870 (cited by Illumina Laboratory Services, Illumina); PubMed 25395141 (cited by Illumina Laboratory Services, Illumina); PubMed 20417861 (cited by Illumina Laboratory Services, Illumina); PubMed 21868263 (cited by Illumina Laboratory Services, Illumina).

NM_000215.4(JAK3):c.2773C>A (p.Arg925Ser)

Gene: JAK3 (Janus kinase 3; minus strand). Cytogenetic location: 19p13.11.
Variant type: single nucleotide variant.
Coding change: c.2773C>A on transcript NM_000215.4 (MANE Select); coding-DNA position 2773, C replaced by A.
Protein change: p.Arg925Ser; replaces arginine 925 with serine.
Molecular consequence: missense variant.
Genome position (GRCh38, 1-based): chr19:17,831,706, G>T on the plus strand (C>A on the coding strand, the complement: JAK3 is on the minus strand). VCF-style: chr19-17831706-G-T. GRCh37 (hg19) VCF-style: chr19-17942515-G-T.
Other names: NM_000215.4(JAK3):c.2773C>A; p.Arg925Ser; short protein forms R925S.
Identifiers: ClinVar variation 418267 (VCV000418267.29), dbSNP rs149452625, ClinGen allele CA9301512.